The following is an entry in ClinVar:

ClinVar aggregate classification (germline): Conflicting classifications of pathogenicity. Review status: criteria provided, conflicting classifications (1 of 4 stars). 2 submissions from 2 submitters: Uncertain significance (1); Likely benign (1). Last evaluated 2026-07-01.

Conditions:
Inborn genetic diseases. Identifiers: MedGen C0950123, MeSH D030342.

gnomAD v4.1: 22 of 1,539,088 alleles (0.0014%); highest among the groups gnomAD compares: Non-Finnish European, 0.0016%; no homozygotes.

Submissions (2):

CeGaT Center for Human Genetics Tuebingen
Classification: Uncertain significance. Last evaluated: 2026-07-01. Review status: criteria provided, single submitter. Criteria: CeGaT Center For Human Genetics Tuebingen Variant Classification Criteria Version 2. Collection method: clinical testing. Allele origin: germline. Affected: yes. Observed: 1 variant allele.
Comment: APC2: PM2, BP4

Ambry Genetics
Classification: Likely benign for Inborn genetic diseases. Last evaluated: 2025-08-31. Review status: criteria provided, single submitter. Criteria: Ambry Variant Classification Scheme 2023. Collection method: clinical testing. Allele origin: germline.

NM_005883.3(APC2):c.2794G>A (p.Ala932Thr)

Gene: APC2 (APC regulator of Wnt signaling pathway 2; plus strand). Cytogenetic location: 19p13.3.
Variant type: single nucleotide variant.
Coding change: c.2794G>A on transcript NM_005883.3 (MANE Select); coding-DNA position 2794, G replaced by A.
Protein change: p.Ala932Thr; replaces alanine 932 with threonine.
Molecular consequence: missense variant.
Genome position (GRCh38, 1-based): chr19:1,466,095, G>A. VCF-style: chr19-1466095-G-A. GRCh37 (hg19) VCF-style: chr19-1466094-G-A.
Other names: c.2791G>A, p.Ala931Thr (NM_001351273.1); short protein forms A932T, A931T.
Identifiers: ClinVar variation 4122091 (VCV004122091.2).